The following is an entry in ClinVar:

ClinVar aggregate classification (germline): Uncertain significance (1 of 4 stars; one submission).

Conditions:
Temtamy syndrome (TEMTYS). Also called: MENTAL RETARDATION WITH OR WITHOUT CRANIOFACIAL DYSMORPHISM, OCULAR COLOBOMA, OR ABNORMAL CORPUS CALLOSUM. Identifiers: Orphanet 1777, MedGen C1857512, MONDO:0009033, OMIM 218340.

gnomAD v4.1: 7 of 1,612,232 alleles (0.00043%); highest among the groups gnomAD compares: Non-Finnish European, 0.00059%; no homozygotes.

Submission:

Labcorp Genetics (formerly Invitae), Labcorp
Classification: Uncertain significance for Temtamy syndrome. Last evaluated: 2019-07-30. Review status: criteria provided, single submitter. Criteria: Invitae Variant Classification Sherloc (09022015). Collection method: clinical testing. Allele origin: germline.
Comment: In summary, the available evidence is currently insufficient to determine the role of this variant in disease. Therefore, it has been classified as a Variant of Uncertain Significance. Algorithms developed to predict the effect of missense changes on protein structure and function (SIFT, PolyPhen-2, Align-GVGD) all suggest that this variant is likely to be tolerated, but these predictions have not been confirmed by published functional studies and their clinical significance is uncertain. This variant has not been reported in the literature in individuals with C12orf57-related conditions. This variant is not present in population databases (ExAC no frequency). This sequence change replaces serine with arginine at codon 97 of the C12orf57 protein (p.Ser97Arg). The serine residue is moderately conserved and there is a moderate physicochemical difference between serine and arginine.

NM_138425.4(C12orf57):c.291C>G (p.Ser97Arg)

Gene: C12orf57 (chromosome 12 open reading frame 57; plus strand). Cytogenetic location: 12p13.31.
Variant type: single nucleotide variant.
Coding change: c.291C>G on transcript NM_138425.4 (MANE Select); coding-DNA position 291, C replaced by G.
Protein change: p.Ser97Arg; replaces serine 97 with arginine.
Molecular consequence: missense variant. On other transcripts: non-coding transcript variant (1).
Genome position (GRCh38, 1-based): chr12:6,945,832, C>G. VCF-style: chr12-6945832-C-G. GRCh37 (hg19) VCF-style: chr12-7054995-C-G.
Other names: c.291C>G, p.Ser97Arg (NM_001301834.1); c.252C>G, p.Ser84Arg (NM_001301836.2); c.204C>G, p.Ser68Arg (NM_001301837.2); c.186C>G, p.Ser62Arg (NM_001301838.2); short protein forms S68R, S97R, S62R, S84R.
Identifiers: ClinVar variation 941706 (VCV000941706.9), dbSNP rs782133839, ClinGen allele CA383745889.